The following is an entry in ClinVar:

ClinVar aggregate classification (germline): Likely pathogenic (1 of 4 stars; one submission).

Submission:

Labcorp Genetics (formerly Invitae), Labcorp
Classification: Likely pathogenic. Last evaluated: 2024-09-02. Review status: criteria provided, single submitter. Criteria: Invitae Variant Classification Sherloc (09022015). Collection method: clinical testing. Allele origin: germline.
Comment: This sequence change replaces glycine, which is neutral and non-polar, with glutamic acid, which is acidic and polar, at codon 486 of the COL4A1 protein (p.Gly486Glu). This variant is not present in population databases (gnomAD no frequency). This variant has not been reported in the literature in individuals affected with COL4A1-related conditions. Invitae Evidence Modeling of protein sequence and biophysical properties (such as structural, functional, and spatial information, amino acid conservation, physicochemical variation, residue mobility, and thermodynamic stability) indicates that this missense variant is expected to disrupt COL4A1 protein function with a positive predictive value of 95%. This variant disrupts the triple helix domain of COL4A1. Glycine residues within the Gly-Xaa-Yaa repeats of the triple helix domain are required for the structure and stability of fibrillar collagens (PMID: 7695699, 8218237, 19344236). In COL4A1 variants affecting these glycine residues are significantly enriched in individuals with disease (PMID: 9016532, 17078022) compared to the general population (ExAC). In summary, the currently available evidence indicates that the variant is pathogenic, but additional data are needed to prove that conclusively. Therefore, this variant has been classified as Likely Pathogenic.

Literature cited by the submitters: PubMed 7695699; PubMed 8218237; PubMed 19344236; PubMed 9016532; PubMed 17078022.

NM_001845.6(COL4A1):c.1457G>A (p.Gly486Glu)

Gene: COL4A1 (collagen type IV alpha 1 chain; minus strand). Cytogenetic location: 13q34.
Variant type: single nucleotide variant.
Coding change: c.1457G>A on transcript NM_001845.6 (MANE Select); coding-DNA position 1457, G replaced by A.
Protein change: p.Gly486Glu; replaces glycine 486 with glutamic acid.
Molecular consequence: missense variant.
Genome position (GRCh38, 1-based): chr13:110,192,838, C>T on the plus strand (G>A on the coding strand, the complement: COL4A1 is on the minus strand). VCF-style: chr13-110192838-C-T. GRCh37 (hg19) VCF-style: chr13-110845185-C-T.
Other names: c.1457G>A, p.Gly486Glu (NM_001303110.2); short protein forms G486E.
Identifiers: ClinVar variation 3687371 (VCV003687371.2).
Genomic context (GRCh38, chr13:110,192,838, plus strand): 5'-CCAACACACCAAAGCAAACTCTGACCTGGTCCTTTTCACATGTGGGTCTTACCTATTTCT[C>T]CCGGGGGTCCCTGTGGCCCGGGAGGCCCCCGATATCCGTCTATATCACAGATGAGGCAAC-3'
Protein context (NP_001836.3, residues 476-496): RGPPGPQGPP[Gly486Glu]EIGFPGQPGA